The following is an entry in ClinVar:

NM_000271.5(NPC1):c.1714A>G (p.Asn572Asp)

Gene: NPC1 (NPC intracellular cholesterol transporter 1; minus strand). Cytogenetic location: 18q11.2.
Variant type: single nucleotide variant.
Coding change: c.1714A>G on transcript NM_000271.5 (MANE Select); coding-DNA position 1714, A replaced by G.
Protein change: p.Asn572Asp; replaces asparagine 572 with aspartic acid.
Molecular consequence: missense variant.
Genome position (GRCh38, 1-based): chr18:23,548,049, T>C on the plus strand (A>G on the coding strand, the complement: NPC1 is on the minus strand). VCF-style: chr18-23548049-T-C. GRCh37 (hg19) VCF-style: chr18-21128013-T-C.
Other names: short protein forms N572D.
Identifiers: ClinVar variation 1409658 (VCV001409658.7), dbSNP rs2058813808, ClinGen allele CA401773593.

ClinVar aggregate classification (germline): Uncertain significance. Review status: criteria provided, multiple submitters, no conflicts (2 of 4 stars). 2 submissions from 2 submitters: Uncertain significance (2). Last evaluated 2022-01-28.

Conditions:
Niemann-Pick disease, type C1. Also called: NIEMANN-PICK DISEASE, VARIANT TYPE C1; NEUROVISCERAL STORAGE DISEASE WITH VERTICAL SUPRANUCLEAR OPHTHALMOPLEGIA; NIEMANN-PICK DISEASE WITH CHOLESTEROL ESTERIFICATION BLOCK; NIEMANN-PICK DISEASE WITHOUT SPHINGOMYELINASE DEFICIENCY; NIEMANN-PICK DISEASE, CHRONIC NEURONOPATHIC FORM. Identifiers: Orphanet 646, MedGen C3179455, MONDO:0009757, OMIM 257220.

Allele frequency attached by ClinVar (database versions not stated): TOPMed 0.00001.

Submissions (2):

Fulgent Genetics
Classification: Uncertain significance for Niemann-Pick disease, type C1. Last evaluated: 2022-01-28. Review status: criteria provided, single submitter. Criteria: ACMG Guidelines, 2015. Collection method: clinical testing. Allele origin: unknown.

Labcorp Genetics (formerly Invitae), Labcorp
Classification: Uncertain significance for Niemann-Pick disease, type C1. Last evaluated: 2021-12-02. Review status: criteria provided, single submitter. Criteria: Invitae Variant Classification Sherloc (09022015). Collection method: clinical testing. Allele origin: germline.
Comment: This variant has not been reported in the literature in individuals affected with NPC1-related conditions. This variant is not present in population databases (gnomAD no frequency). This sequence change replaces asparagine, which is neutral and polar, with aspartic acid, which is acidic and polar, at codon 572 of the NPC1 protein (p.Asn572Asp). Advanced modeling of protein sequence and biophysical properties (such as structural, functional, and spatial information, amino acid conservation, physicochemical variation, residue mobility, and thermodynamic stability) performed at Invitae indicates that this missense variant is not expected to disrupt NPC1 protein function. In summary, the available evidence is currently insufficient to determine the role of this variant in disease. Therefore, it has been classified as a Variant of Uncertain Significance.